The following is an entry in ClinVar:

NM_003072.5(SMARCA4):c.4641T>C (p.Tyr1547=)

Gene: SMARCA4 (SWI/SNF related BAF chromatin remodeling complex subunit ATPase 4; plus strand). Cytogenetic location: 19p13.2.
Variant type: single nucleotide variant.
Coding change: c.4641T>C on transcript NM_003072.5 (MANE Select); coding-DNA position 4641, T replaced by C.
Protein change: p.Tyr1547=; no amino-acid change (tyrosine 1547 retained).
Molecular consequence: synonymous variant. On other transcripts: non-coding transcript variant (1).
Genome position (GRCh38, 1-based): chr19:11,059,758, T>C. VCF-style: chr19-11059758-T-C. GRCh37 (hg19) VCF-style: chr19-11170434-T-C.
Other names: c.4641T>C, p.Tyr1547= (NM_001128844.3); c.4551T>C, p.Tyr1517= (NM_001128845.2); c.4548T>C, p.Tyr1516= (NM_001128846.2); c.4542T>C, p.Tyr1514= (NM_001128847.4, NM_001374457.1); c.4539T>C, p.Tyr1513= (NM_001128848.2); c.4737T>C, p.Tyr1579= (NM_001128849.3, NM_001387283.1).
Identifiers: ClinVar variation 537889 (VCV000537889.17), dbSNP rs1261206842, ClinGen allele CA505495062.

ClinVar aggregate classification (germline): Benign/Likely benign. Review status: criteria provided, multiple submitters, no conflicts (2 of 4 stars). 3 submissions from 3 submitters: Benign (1); Likely benign (2). Last evaluated 2026-07-23.

Conditions:
Hereditary cancer-predisposing syndrome. Also called: Tumor predisposition; Neoplastic Syndromes, Hereditary; Hereditary Cancer Syndrome; Hereditary neoplastic syndrome. Identifiers: Orphanet 140162, MedGen C0027672, MeSH D009386, MONDO:0015356.
Rhabdoid tumor predisposition syndrome 2 (RTPS2). Identifiers: Orphanet 231108, Orphanet 69077, MedGen C2750074, MONDO:0013224, OMIM 613325.

Allele frequency attached by ClinVar (database versions not stated): TOPMed 0.00001.

Submissions (3):

Myriad Genetics, Inc.
Classification: Benign for Rhabdoid tumor predisposition syndrome 2. Last evaluated: 2026-07-23. Review status: criteria provided, single submitter. Criteria: Myriad Autosomal Dominant, Autosomal Recessive and X-Linked Classification Criteria (2023). Collection method: clinical testing. Allele origin: unknown.
Comment: This variant is considered benign. This variant is a silent/synonymous amino acid change and it is not expected to impact splicing.

Labcorp Genetics (formerly Invitae), Labcorp
Classification: Likely benign for Rhabdoid tumor predisposition syndrome 2. Last evaluated: 2025-10-29. Review status: criteria provided, single submitter. Criteria: Invitae Variant Classification Sherloc (09022015). Collection method: clinical testing. Allele origin: germline.

Ambry Genetics
Classification: Likely benign for Hereditary cancer-predisposing syndrome. Last evaluated: 2019-03-02. Review status: criteria provided, single submitter. Criteria: Ambry Variant Classification Scheme 2023. Collection method: clinical testing. Allele origin: germline.